The following is an entry in ClinVar:

NM_000552.5(VWF):c.1524G>A (p.Leu508=)

Gene: VWF (von Willebrand factor; minus strand). Cytogenetic location: 12p13.31.
Variant type: single nucleotide variant.
Coding change: c.1524G>A on transcript NM_000552.5 (MANE Select); coding-DNA position 1524, G replaced by A.
Protein change: p.Leu508=; no amino-acid change (leucine 508 retained).
Molecular consequence: synonymous variant.
Genome position (GRCh38, 1-based): chr12:6,062,963, C>T on the plus strand (G>A on the coding strand, the complement: VWF is on the minus strand). VCF-style: chr12-6062963-C-T. GRCh37 (hg19) VCF-style: chr12-6172129-C-T.
Identifiers: ClinVar variation 4991469 (VCV004991469.1).

ClinVar aggregate classification (germline): Likely benign (1 of 4 stars; one submission).

Conditions:
VWF-related disorder. Also called: VWF-related disorders; VWF-related condition.

gnomAD v4.1: 16 of 1,612,418 alleles (0.00099%); highest among the groups gnomAD compares: Non-Finnish European, 0.0014%; no homozygotes.

Submission:

PreventionGenetics, part of Exact Sciences
Classification: Likely benign for VWF-related condition. Last evaluated: 2026-09-25. Review status: criteria provided, single submitter. Criteria: ACMG Guidelines, 2015. Collection method: clinical testing. Allele origin: germline.
Comment: This variant is classified as likely benign based on ACMG/AMP sequence variant interpretation guidelines (Richards et al. 2015 PMID: 25741868, with internal and published modifications).